The following is an entry in ClinVar:

NM_175914.5(HNF4A):c.50-4G>A

Gene: HNF4A (hepatocyte nuclear factor 4 alpha; plus strand). Cytogenetic location: 20q13.12.
Variant type: single nucleotide variant.
Coding change: c.50-4G>A on transcript NM_175914.5 (MANE Select); 4 bases into the intron before coding-DNA position 50, G replaced by A.
Molecular consequence: intron variant.
Genome position (GRCh38, 1-based): chr20:44,406,054, G>A. VCF-style: chr20-44406054-G-A. GRCh37 (hg19) VCF-style: chr20-43034694-G-A.
Other names: c.41-4G>A (NM_001287182.2, NM_001287183.2, NM_001287184.2); c.50-4G>A (NM_001030003.3, NM_001030004.3); c.95-4G>A (NM_001258355.2); c.116-4G>A (NM_178849.3, NM_000457.6, NM_178850.3).
Identifiers: ClinVar variation 3034594 (VCV003034594.3), dbSNP rs768911433, ClinGen allele CA9870155.
Genomic context (GRCh38, chr20:44,406,054, plus strand): 5'-GGCTCCCTTAGATGCCTGACATTCTGTTCTTCCTGAAGCCTCACTCCCTTCTCTCCTGGC[G>A]CAGACACGTCCCCATCAGAAGGCACCAACCTCAACGCGCCCAACAGCCTGGGTGTCAGCG-3'

ClinVar aggregate classification (germline): Benign. Review status: criteria provided, single submitter (1 of 4 stars). 2 submissions from 2 submitters: Benign (1). 1 of the submissions does not count toward it. Last evaluated 2024-11-12.

Conditions:
HNF4A-related disorder. Also called: HNF4A-related condition.

Allele frequency attached by ClinVar (database versions not stated): gnomAD exomes 0.00001; ExAC 0.00003.
gnomAD v4.1: 18 of 1,611,490 alleles (0.0011%); highest among the groups gnomAD compares: Admixed American, 0.005%; no homozygotes.

Submissions (2):

Women's Health and Genetics/Laboratory Corporation of America, LabCorp
Classification: Benign. Last evaluated: 2024-11-12. Review status: criteria provided, single submitter. Criteria: LabCorp Variant Classification Summary - May 2015. Collection method: clinical testing. Allele origin: germline.
Comment: Variant summary: HNF4A c.50-4G>A alters a nucleotide located close to a canonical splice site and therefore could affect mRNA splicing, leading to a significantly altered protein sequence. Consensus agreement among computation tools predict no significant impact on normal splicing. However, these predictions have yet to be confirmed by functional studies. The variant allele was found at a frequency of 1.1e-05 in 1611490 control chromosomes (gnomAD v4). The observed variant frequency is approximately 4 fold of the estimated maximal expected allele frequency for a pathogenic variant in HNF4A causing Maturity Onset Diabetes Of The Young 1/Neonatal Diabetes Mellitus phenotype (3.1e-06). To our knowledge, no occurrence of c.50-4G>A in individuals affected with Maturity Onset Diabetes Of The Young 1/Neonatal Diabetes Mellitus and no experimental evidence demonstrating its impact on protein function have been reported. ClinVar contains an entry for this variant (Variation ID: 3034594). Based on the evidence outlined above, the variant was classified as benign.

PreventionGenetics, part of Exact Sciences
Classification: Likely benign for HNF4A-related condition. Last evaluated: 2019-07-30. Review status: no assertion criteria provided. Collection method: clinical testing. Allele origin: germline. Not counted in ClinVar's aggregate classification.
Comment: This variant is classified as likely benign based on ACMG/AMP sequence variant interpretation guidelines (Richards et al. 2015 PMID: 25741868, with internal and published modifications).